The following is an entry in ClinVar:

NM_001244926.2(PRPF4):c.604C>G (p.Pro202Ala)

Gene: PRPF4 (pre-mRNA splicing tri-snRNP complex factor PRPF4; plus strand). Cytogenetic location: 9q32.
Variant type: single nucleotide variant.
Coding change: c.604C>G on transcript NM_001244926.2 (MANE Select); coding-DNA position 604, C replaced by G.
Protein change: p.Pro202Ala; replaces proline 202 with alanine.
Molecular consequence: missense variant. On other transcripts: 5 prime UTR variant (2), non-coding transcript variant (2).
Genome position (GRCh38, 1-based): chr9:113,283,432, C>G. VCF-style: chr9-113283432-C-G. GRCh37 (hg19) VCF-style: chr9-116045712-C-G.
Other names: c.-162C>G (NM_001322266.2, NM_001322267.2); c.607C>G, p.Pro203Ala (NM_004697.5); short protein forms P202A, P203A.
Identifiers: ClinVar variation 1003163 (VCV001003163.8), dbSNP rs1031130604, ClinGen allele CA198544069.

ClinVar aggregate classification (germline): Uncertain significance (1 of 4 stars; one submission).

Allele frequency attached by ClinVar (database versions not stated): TOPMed below 0.00001; gnomAD 0.00001.

Submission:

Labcorp Genetics (formerly Invitae), Labcorp
Classification: Uncertain significance. Last evaluated: 2021-02-23. Review status: criteria provided, single submitter. Criteria: Invitae Variant Classification Sherloc (09022015). Collection method: clinical testing. Allele origin: germline.
Comment: This variant has not been reported in the literature in individuals with PRPF4-related conditions. This variant is not present in population databases (ExAC no frequency). This sequence change replaces proline with alanine at codon 203 of the PRPF4 protein (p.Pro203Ala). The proline residue is highly conserved and there is a small physicochemical difference between proline and alanine. Algorithms developed to predict the effect of missense changes on protein structure and function (SIFT, PolyPhen-2, Align-GVGD) all suggest that this variant is likely to be tolerated, but these predictions have not been confirmed by published functional studies and their clinical significance is uncertain. In summary, the available evidence is currently insufficient to determine the role of this variant in disease. Therefore, it has been classified as a Variant of Uncertain Significance.